The following is an entry in ClinVar:

NM_004727.3(SLC24A1):c.2565T>C (p.Asp855=)

Gene: SLC24A1 (solute carrier family 24 member 1; plus strand). Cytogenetic location: 15q22.31.
Variant type: single nucleotide variant.
Coding change: c.2565T>C on transcript NM_004727.3 (MANE Select); coding-DNA position 2565, T replaced by C.
Protein change: p.Asp855=; no amino-acid change (aspartic acid 855 retained).
Molecular consequence: synonymous variant.
Genome position (GRCh38, 1-based): chr15:65,650,714, T>C. VCF-style: chr15-65650714-T-C. GRCh37 (hg19) VCF-style: chr15-65943052-T-C.
Other names: c.2565T>C (NM_004727.2); c.546T>C, p.Asp182= (NM_001254740.2); c.2565T>C, p.Asp855= (NM_001301031.1); c.2511T>C, p.Asp837= (NM_001301032.1, NM_001301033.2).
Identifiers: ClinVar variation 1167196 (VCV001167196.12), dbSNP rs375260297, ClinGen allele CA7620143.

ClinVar aggregate classification (germline): Benign/Likely benign. Review status: criteria provided, multiple submitters, no conflicts (2 of 4 stars). 4 submissions from 4 submitters: Benign (2); Likely benign (2). Last evaluated 2025-12-15.

Conditions:
SLC24A1-related disorder. Also called: SLC24A1-related condition.

Allele frequency attached by ClinVar (database versions not stated): gnomAD exomes 0.00014 and 0.00033; ESP Exome Variant Server 0.00016; gnomAD 0.00019 and 0.00021; TOPMed 0.00019; ExAC 0.00058.
gnomAD v4.1: 251 of 1,558,766 alleles (0.016%); highest among the groups gnomAD compares: Middle Eastern, 0.17%; 1 homozygote.

Submissions (4):

Labcorp Genetics (formerly Invitae), Labcorp
Classification: Benign. Last evaluated: 2025-12-15. Review status: criteria provided, single submitter. Criteria: Invitae Variant Classification Sherloc (09022015). Collection method: clinical testing. Allele origin: germline.

PreventionGenetics, part of Exact Sciences
Classification: Likely benign for SLC24A1-related condition. Last evaluated: 2025-04-14. Review status: criteria provided, single submitter. Criteria: ACMG Guidelines, 2015. Collection method: clinical testing. Allele origin: germline.
Comment: This variant is classified as likely benign based on ACMG/AMP sequence variant interpretation guidelines (Richards et al. 2015 PMID: 25741868, with internal and published modifications).

Blueprint Genetics
Classification: Likely benign. Last evaluated: 2024-09-20. Review status: criteria provided, single submitter. Criteria: ACMG Guidelines, 2015. Collection method: clinical testing. Allele origin: germline.

Breakthrough Genomics
Classification: Benign. Review status: criteria provided, single submitter. Criteria: ACMG Guidelines, 2015. Collection method: not provided. Allele origin: germline. Inheritance: Autosomal recessive inheritance. Affected: yes.